The following is an entry in ClinVar:

NM_014780.5(CUL7):c.3416T>C (p.Ile1139Thr)

Gene: CUL7 (cullin 7; minus strand). Cytogenetic location: 6p21.1.
Variant type: single nucleotide variant.
Coding change: c.3416T>C on transcript NM_014780.5 (MANE Select); coding-DNA position 3416, T replaced by C.
Protein change: p.Ile1139Thr; replaces isoleucine 1139 with threonine.
Molecular consequence: missense variant.
Genome position (GRCh38, 1-based): chr6:43,043,120, A>G on the plus strand (T>C on the coding strand, the complement: CUL7 is on the minus strand). VCF-style: chr6-43043120-A-G. GRCh37 (hg19) VCF-style: chr6-43010858-A-G.
Other names: c.3512T>C, p.Ile1171Thr (NM_001168370.2, NM_001374872.1); c.3416T>C, p.Ile1139Thr (NM_001374873.1); c.3413T>C, p.Ile1138Thr (NM_001374874.1); short protein forms I1139T, I1138T, I1171T.
Identifiers: ClinVar variation 356829 (VCV000356829.14), dbSNP rs77965460, ClinGen allele CA3813496.

ClinVar aggregate classification (germline): Benign/Likely benign. Review status: criteria provided, multiple submitters, no conflicts (2 of 4 stars). 3 submissions from 3 submitters: Benign (2); Likely benign (1). Last evaluated 2026-02-01.

Conditions:
3M syndrome 1. Also called: 3-M Syndrome, CUL7-Related. Identifiers: Orphanet 2616, MedGen C2678312, MONDO:0010117, OMIM 273750.

Allele frequency attached by ClinVar (database versions not stated): gnomAD 0.00034 and 0.00064; TOPMed 0.00063; gnomAD exomes 0.00107; ExAC 0.00108; 1000 Genomes Project 30x 0.00250; 1000 Genomes Project 0.00319.
gnomAD v4.1: 1,582 of 1,614,056 alleles (0.098%); highest among the groups gnomAD compares: East Asian, 3.3%; 29 homozygotes.

Submissions (3):

Labcorp Genetics (formerly Invitae), Labcorp
Classification: Benign. Last evaluated: 2026-02-01. Review status: criteria provided, single submitter. Criteria: Invitae Variant Classification Sherloc (09022015). Collection method: clinical testing. Allele origin: germline.

Blueprint Genetics
Classification: Likely benign. Last evaluated: 2024-09-12. Review status: criteria provided, single submitter. Criteria: ACMG Guidelines, 2015. Collection method: clinical testing. Allele origin: germline.

Illumina Laboratory Services, Illumina
Classification: Benign for 3M syndrome 1. Last evaluated: 2018-01-12. Review status: criteria provided, single submitter. Criteria: ICSL Variant Classification Criteria 13 December 2019. Collection method: clinical testing. Allele origin: germline.
Comment: This variant was observed in the ICSL laboratory as part of a predisposition screen in an ostensibly healthy population. It had not been previously curated by ICSL or reported in the Human Gene Mutation Database (HGMD: prior to June 1st, 2018), and was therefore a candidate for classification through an automated scoring system. Utilizing variant allele frequency, disease prevalence and penetrance estimates, and inheritance mode, an automated score was calculated to assess if this variant is too frequent to cause the disease. Based on the score and internal cut-off values, a variant classified as benign is not then subjected to further curation. The score for this variant resulted in a classification of benign for this disease.